The following is an entry in ClinVar:

NM_013276.4(SHPK):c.309A>T (p.Gln103His)

Gene: SHPK (sedoheptulokinase; minus strand). Cytogenetic location: 17p13.2.
Variant type: single nucleotide variant.
Coding change: c.309A>T on transcript NM_013276.4 (MANE Select); coding-DNA position 309, A replaced by T.
Protein change: p.Gln103His; replaces glutamine 103 with histidine.
Molecular consequence: missense variant.
Genome position (GRCh38, 1-based): chr17:3,630,206, T>A on the plus strand (A>T on the coding strand, the complement: SHPK is on the minus strand). VCF-style: chr17-3630206-T-A. GRCh37 (hg19) VCF-style: chr17-3533500-T-A.
Other names: short protein forms Q103H.
Identifiers: ClinVar variation 1376769 (VCV001376769.7), dbSNP rs200488601, ClinGen allele CA8291383.

ClinVar aggregate classification (germline): Uncertain significance (1 of 4 stars; one submission).

Allele frequency attached by ClinVar (database versions not stated): ESP Exome Variant Server 0.00008; ExAC 0.00021; gnomAD exomes 0.00024.
gnomAD v4.1: 656 of 1,613,862 alleles (0.041%); highest among the groups gnomAD compares: Non-Finnish European, 0.052%; no homozygotes.

Submissions (2):

Labcorp Genetics (formerly Invitae), Labcorp
Classification: Uncertain significance. Last evaluated: 2026-01-19. Review status: criteria provided, single submitter. Criteria: Invitae Variant Classification Sherloc (09022015). Collection method: clinical testing. Allele origin: germline.
Comment: This sequence change replaces glutamine, which is neutral and polar, with histidine, which is basic and polar, at codon 103 of the SHPK protein (p.Gln103His). This variant is present in population databases (rs200488601, gnomAD 0.05%). This variant has not been reported in the literature in individuals affected with SHPK-related conditions. ClinVar contains an entry for this variant (Variation ID: 1376769). An algorithm developed to predict the effect of missense changes on protein structure and function (PolyPhen-2) suggests that this variant is likely to be disruptive. In summary, the available evidence is currently insufficient to determine the role of this variant in disease. Therefore, it has been classified as a Variant of Uncertain Significance.

Dr. Peter K. Rogan Lab, Western University
No classification provided (evidence only). Condition: Melanoma. Review status: no classification provided. Collection method: in vitro. Allele origin: not applicable. Functional consequence: retained intron. Not counted in ClinVar's aggregate classification.